The following is an entry in ClinVar:

NM_001330260.2(SCN8A):c.3645+265A>G

Gene: SCN8A (sodium voltage-gated channel alpha subunit 8; plus strand). Cytogenetic location: 12q13.13.
Variant type: single nucleotide variant.
Coding change: c.3645+265A>G on transcript NM_001330260.2 (MANE Select); 265 bases into the intron after coding-DNA position 3645, A replaced by G.
Molecular consequence: intron variant.
Genome position (GRCh38, 1-based): chr12:51,770,948, A>G. VCF-style: chr12-51770948-A-G. GRCh37 (hg19) VCF-style: chr12-52164732-A-G.
Other names: c.3645+265A>G (NM_014191.4, NM_001177984.3, NM_001369788.1).
Identifiers: ClinVar variation 669737 (VCV000669737.1), dbSNP rs34690825, ClinGen allele CA236319739.

ClinVar aggregate classification (germline): Benign (1 of 4 stars; one submission).

Allele frequency attached by ClinVar (database versions not stated): gnomAD 0.02572 and 0.02740; TOPMed 0.02796; 1000 Genomes Project 0.02935; 1000 Genomes Project 30x 0.03107.
gnomAD v4.1: 3,872 of 152,264 alleles (2.5%); highest among the groups gnomAD compares: African/African-American, 8.8%; 166 homozygotes.

Submission:

GeneDx
Classification: Benign. Last evaluated: 2018-06-19. Review status: criteria provided, single submitter. Criteria: GeneDx Variant Classification (06012015). Collection method: clinical testing. Allele origin: germline. Affected: yes.
Comment: This variant is considered likely benign or benign based on one or more of the following criteria: it is a conservative change, it occurs at a poorly conserved position in the protein, it is predicted to be benign by multiple in silico algorithms, and/or has population frequency not consistent with disease.